The following is an entry in ClinVar:

ClinVar aggregate classification (germline): Uncertain significance (1 of 4 stars; one submission).

Submission:

Labcorp Genetics (formerly Invitae), Labcorp
Classification: Uncertain significance. Last evaluated: 2022-07-12. Review status: criteria provided, single submitter. Criteria: Invitae Variant Classification Sherloc (09022015). Collection method: clinical testing. Allele origin: germline.
Comment: This sequence change replaces valine, which is neutral and non-polar, with alanine, which is neutral and non-polar, at codon 118 of the CEP152 protein (p.Val118Ala). In summary, the available evidence is currently insufficient to determine the role of this variant in disease. Therefore, it has been classified as a Variant of Uncertain Significance. Algorithms developed to predict the effect of missense changes on protein structure and function (SIFT, PolyPhen-2, Align-GVGD) all suggest that this variant is likely to be tolerated. ClinVar contains an entry for this variant (Variation ID: 1472990). This variant has not been reported in the literature in individuals affected with CEP152-related conditions. This variant is not present in population databases (gnomAD no frequency).

NM_001194998.2(CEP152):c.353T>C (p.Val118Ala)

Gene: CEP152 (centrosomal protein 152; minus strand). Cytogenetic location: 15q21.1.
Variant type: single nucleotide variant.
Coding change: c.353T>C on transcript NM_001194998.2 (MANE Select); coding-DNA position 353, T replaced by C.
Protein change: p.Val118Ala; replaces valine 118 with alanine.
Molecular consequence: missense variant.
Genome position (GRCh38, 1-based): chr15:48,797,488, A>G on the plus strand (T>C on the coding strand, the complement: CEP152 is on the minus strand). VCF-style: chr15-48797488-A-G. GRCh37 (hg19) VCF-style: chr15-49089685-A-G.
Other names: c.353T>C, p.Val118Ala (NM_014985.4); short protein forms V118A.
Identifiers: ClinVar variation 1472990 (VCV001472990.8), dbSNP rs2140906959, ClinGen allele CA392357998.